The following is an entry in ClinVar:

NM_006939.4(SOS2):c.347A>G (p.Glu116Gly)

Gene: SOS2 (SOS Ras/Rho guanine nucleotide exchange factor 2; minus strand). Cytogenetic location: 14q21.3.
Variant type: single nucleotide variant.
Coding change: c.347A>G on transcript NM_006939.4 (MANE Select); coding-DNA position 347, A replaced by G.
Protein change: p.Glu116Gly; replaces glutamic acid 116 with glycine.
Molecular consequence: missense variant.
Genome position (GRCh38, 1-based): chr14:50,199,854, T>C on the plus strand (A>G on the coding strand, the complement: SOS2 is on the minus strand). VCF-style: chr14-50199854-T-C. GRCh37 (hg19) VCF-style: chr14-50666572-T-C.
Other names: c.347A>G, p.Glu116Gly (NM_001411020.1); short protein forms E116G.
Identifiers: ClinVar variation 3664486 (VCV003664486.2).
Genomic context (GRCh38, chr14:50,199,854, plus strand): 5'-TACTCTAGTACAGCCACAATATATAGGGATACATGGTAGTCCACTTTGTACCCTAATACT[T>C]CCTGTGAAAAGAATAAATAATTTAATTGCAAAATGTAGCACTGTCAAGTATTACACACTT-3'
Protein context (NP_008870.2, residues 106-126): PVDKIHPSLK[Glu116Gly]VLGYKVDYHV

ClinVar aggregate classification (germline): Uncertain significance (1 of 4 stars; one submission).

Conditions:
Noonan syndrome 9 (NS9). Identifiers: Orphanet 648, MedGen C4225282, MONDO:0014691, OMIM 616559.

gnomAD v4.1: 4 of 1,551,430 alleles (0.00026%); highest among the groups gnomAD compares: Non-Finnish European, 0.00035%; no homozygotes.

Submission:

Labcorp Genetics (formerly Invitae), Labcorp
Classification: Uncertain significance for Noonan syndrome 9. Last evaluated: 2024-09-04. Review status: criteria provided, single submitter. Criteria: Invitae Variant Classification Sherloc (09022015). Collection method: clinical testing. Allele origin: germline.
Comment: This sequence change replaces glutamic acid, which is acidic and polar, with glycine, which is neutral and non-polar, at codon 116 of the SOS2 protein (p.Glu116Gly). This variant is not present in population databases (gnomAD no frequency). This variant has not been reported in the literature in individuals affected with SOS2-related conditions. An algorithm developed to predict the effect of missense changes on protein structure and function (PolyPhen-2) suggests that this variant is likely to be disruptive. In summary, the available evidence is currently insufficient to determine the role of this variant in disease. Therefore, it has been classified as a Variant of Uncertain Significance.